The following is an entry in ClinVar:

NM_000744.7(CHRNA4):c.544T>C (p.Trp182Arg)

Gene: CHRNA4 (cholinergic receptor nicotinic alpha 4 subunit; minus strand). Cytogenetic location: 20q13.33.
Variant type: single nucleotide variant.
Coding change: c.544T>C on transcript NM_000744.7 (MANE Select); coding-DNA position 544, T replaced by C.
Protein change: p.Trp182Arg; replaces tryptophan 182 with arginine.
Molecular consequence: missense variant. On other transcripts: non-coding transcript variant (1).
Genome position (GRCh38, 1-based): chr20:63,350,867, A>G on the plus strand (T>C on the coding strand, the complement: CHRNA4 is on the minus strand). VCF-style: chr20-63350867-A-G. GRCh37 (hg19) VCF-style: chr20-61982219-A-G.
Other names: p.W182R:TGG>CGG; c.16T>C, p.Trp6Arg (NM_001256573.2); short protein forms W182R, W6R.
Identifiers: ClinVar variation 205014 (VCV000205014.2), dbSNP rs796052317, ClinGen allele CA313545.

ClinVar aggregate classification (germline): Likely pathogenic (1 of 4 stars; one submission).

Submission:

GeneDx
Classification: Likely pathogenic. Last evaluated: 2012-08-29. Review status: criteria provided, single submitter. Criteria: GeneDx Variant Classification (06012015). Collection method: clinical testing. Allele origin: germline. Affected: yes.
Comment: p.Trp182Arg (TGG>CGG):c.544 T>C in exon 5 of the CHRNA4 gene (NM_000744.5)The Trp182Arg missense change has not been published as a mutation, nor has it been reported as a benign polymorphism to our knowledge. The NHLBI ESP Exome Variant Project has not identified Trp182Arg in approximately 6,500 individuals of European or African American ethnicity, indicating that it is not a common benign variant in these populations. The amino acid substitution is non-conservative, as an uncharged, non-polar Tryptophan residue is replaced by a positively charged Arginine residue. Trp182Arg alters a highly conserved position in the protein, and multiple in silico algorithms predict it is likely disease-causing. However, the Trp182Arg substitution does not occur within the transmembrane region of the protein, where pathogenic missense mutations have been identified (Steinlein et al., 2010). Therefore, based on the currently available information, Trp182Arg is a strong candidate for a disease-causing mutation, but the possibility that it is a benign variant cannot be excluded. The variant is found in EPILEPSY panel(s).